The following is an entry in ClinVar:

NM_024753.5(TTC21B):c.3016C>G (p.Pro1006Ala)

Gene: TTC21B (tetratricopeptide repeat domain 21B; minus strand). Cytogenetic location: 2q24.3.
Variant type: single nucleotide variant.
Coding change: c.3016C>G on transcript NM_024753.5 (MANE Select); coding-DNA position 3016, C replaced by G.
Protein change: p.Pro1006Ala; replaces proline 1006 with alanine.
Molecular consequence: missense variant.
Genome position (GRCh38, 1-based): chr2:165,890,923, G>C on the plus strand (C>G on the coding strand, the complement: TTC21B is on the minus strand). VCF-style: chr2-165890923-G-C. GRCh37 (hg19) VCF-style: chr2-166747433-G-C.
Other names: c.3016C>G (NM_024753.4); short protein forms P1006A.
Identifiers: ClinVar variation 2050539 (VCV002050539.4), dbSNP rs976336042, ClinGen allele CA59774190.

ClinVar aggregate classification (germline): Uncertain significance. Review status: criteria provided, multiple submitters, no conflicts (2 of 4 stars). 2 submissions from 2 submitters: Uncertain significance (2). Last evaluated 2026-05-04.

Conditions:
TTC21B-related disorder. Also called: TTC21B-related condition; TTC21B-related disorders.
Nephronophthisis. Also called: Juvenile Nephronophthisis. Identifiers: Orphanet 655, MedGen C0687120, MONDO:0019005, HP:0000090.
Jeune thoracic dystrophy. Also called: Jeune syndrome; Infantile thoracic dystrophy; Thoracic pelvic phalangeal dystrophy; Jeune's syndrome; Chondroectodermal dysplasia-like syndrome; Short-rib thoracic dysplasia. Identifiers: Orphanet 474, MedGen C0265275, MONDO:0018770.

Allele frequency attached by ClinVar (database versions not stated): gnomAD exomes below 0.00001; TOPMed below 0.00001.

Submissions (2):

PreventionGenetics, part of Exact Sciences
Classification: Uncertain significance for TTC21B-related condition. Last evaluated: 2026-05-04. Review status: criteria provided, single submitter. Criteria: ACMG Guidelines, 2015. Collection method: clinical testing. Allele origin: germline.
Comment: The TTC21B c.3016C>G variant is predicted to result in the amino acid substitution p.Pro1006Ala. To our knowledge, this variant has not been reported in the literature. This variant is reported in 0.00088% of alleles in individuals of European (Non-Finnish) descent in gnomAD. At this time, the clinical significance of this variant is uncertain due to the absence of conclusive functional and genetic evidence.

Labcorp Genetics (formerly Invitae), Labcorp
Classification: Uncertain significance for Jeune thoracic dystrophy; Nephronophthisis. Last evaluated: 2022-10-13. Review status: criteria provided, single submitter. Criteria: Invitae Variant Classification Sherloc (09022015). Collection method: clinical testing. Allele origin: germline.
Comment: This sequence change replaces proline, which is neutral and non-polar, with alanine, which is neutral and non-polar, at codon 1006 of the TTC21B protein (p.Pro1006Ala). This variant is present in population databases (no rsID available, gnomAD 0.0009%). In summary, the available evidence is currently insufficient to determine the role of this variant in disease. Therefore, it has been classified as a Variant of Uncertain Significance. Advanced modeling of protein sequence and biophysical properties (such as structural, functional, and spatial information, amino acid conservation, physicochemical variation, residue mobility, and thermodynamic stability) performed at Invitae indicates that this missense variant is not expected to disrupt TTC21B protein function. This variant has not been reported in the literature in individuals affected with TTC21B-related conditions.